The following is an entry in ClinVar:

NM_005732.4(RAD50):c.1853A>G (p.Lys618Arg)

Gene: RAD50 (RAD50 double strand break repair protein; plus strand). Cytogenetic location: 5q31.1.
Variant type: single nucleotide variant.
Coding change: c.1853A>G on transcript NM_005732.4 (MANE Select); coding-DNA position 1853, A replaced by G.
Protein change: p.Lys618Arg; replaces lysine 618 with arginine.
Molecular consequence: missense variant.
Genome position (GRCh38, 1-based): chr5:132,594,928, A>G. VCF-style: chr5-132594928-A-G. GRCh37 (hg19) VCF-style: chr5-131930620-A-G.
Other names: short protein forms K618R.
Identifiers: ClinVar variation 5027742 (VCV005027742.1).

ClinVar aggregate classification (germline): Uncertain significance (1 of 4 stars; one submission).

Conditions:
Hereditary cancer-predisposing syndrome. Also called: Neoplastic Syndromes, Hereditary; Tumor predisposition; Hereditary neoplastic syndrome; Hereditary Cancer Syndrome. Identifiers: Orphanet 140162, MedGen C0027672, MeSH D009386, MONDO:0015356.

gnomAD v4.1: 1 of 1,609,158 alleles (0.000062%); highest among the groups gnomAD compares: South Asian, 0.0011%; no homozygotes.

Submission:

Ambry Genetics
Classification: Uncertain significance for Hereditary cancer-predisposing syndrome. Last evaluated: 2026-09-01. Review status: criteria provided, single submitter. Criteria: Ambry Variant Classification Scheme 2023. Collection method: clinical testing. Allele origin: germline.
Comment: The p.K618R variant (also known as c.1853A>G), located in coding exon 12 of the RAD50 gene, results from an A to G substitution at nucleotide position 1853. The lysine at codon 618 is replaced by arginine, an amino acid with highly similar properties. This amino acid position is conserved. In addition, this alteration is predicted to be tolerated by in silico analysis. Based on the available evidence, the clinical significance of this variant remains unclear.